The following is an entry in ClinVar:

ClinVar aggregate classification (germline): Uncertain significance (1 of 4 stars; one submission).

Conditions:
Hereditary cancer-predisposing syndrome. Also called: Tumor predisposition; Hereditary Cancer Syndrome; Hereditary neoplastic syndrome; Neoplastic Syndromes, Hereditary. Identifiers: Orphanet 140162, MedGen C0027672, MeSH D009386, MONDO:0015356.

Submission:

Ambry Genetics
Classification: Uncertain significance for Hereditary cancer-predisposing syndrome. Last evaluated: 2023-08-26. Review status: criteria provided, single submitter. Criteria: Ambry Variant Classification Scheme 2023. Collection method: clinical testing. Allele origin: germline.
Comment: The p.D1255G variant (also known as c.3764A>G), located in coding exon 8 of the MSH6 gene, results from an A to G substitution at nucleotide position 3764. The aspartic acid at codon 1255 is replaced by glycine, an amino acid with similar properties. This amino acid position is well conserved in available vertebrate species. In addition, this alteration is predicted to be deleterious by in silico analysis. Since supporting evidence is limited at this time, the clinical significance of this alteration remains unclear.

NM_000179.3(MSH6):c.3764A>G (p.Asp1255Gly)

Gene: MSH6 (mutS homolog 6; plus strand). Cytogenetic location: 2p16.3.
Variant type: single nucleotide variant.
Coding change: c.3764A>G on transcript NM_000179.3 (MANE Select); coding-DNA position 3764, A replaced by G.
Protein change: p.Asp1255Gly; replaces aspartic acid 1255 with glycine.
Molecular consequence: missense variant. On other transcripts: non-coding transcript variant (5).
Genome position (GRCh38, 1-based): chr2:47,806,321, A>G. VCF-style: chr2-47806321-A-G. GRCh37 (hg19) VCF-style: chr2-48033460-A-G.
Other names: c.3374A>G, p.Asp1125Gly (NM_001281492.2); c.2858A>G, p.Asp953Gly (NM_001281493.2, NM_001281494.2, NM_001406811.1 and 6 more transcripts); c.3860A>G, p.Asp1287Gly (NM_001406795.1, NM_001406802.1); c.3764A>G, p.Asp1255Gly (NM_001406796.1, NM_001406800.1, NM_001406808.1 and 1 more transcripts); c.3467A>G, p.Asp1156Gly (NM_001406797.1, NM_001406801.1, NM_001406805.1 and 10 more transcripts); c.3590A>G, p.Asp1197Gly (NM_001406798.1); c.3239A>G, p.Asp1080Gly (NM_001406799.1, NM_001406806.1, NM_001406807.1); c.2900A>G, p.Asp967Gly (NM_001406803.1); and 7 more; short protein forms D1156G, D1197G, D1255G, D182G, D1080G, D1257G, D733G, D967G.
Identifiers: ClinVar variation 2587350 (VCV002587350.2), dbSNP rs1670061939, ClinGen allele CA346761111.